The following is an entry in ClinVar:

NC_000021.8:g.(?_46825146)_(46825408_?)dup

Gene: COL18A1 (collagen type XVIII alpha 1 chain; plus strand). Cytogenetic location: 21q22.3.
Variant type: Duplication.
Identifiers: ClinVar variation 1447943 (VCV001447943.5).

ClinVar aggregate classification (germline): Uncertain significance (1 of 4 stars; one submission).

Submission:

Labcorp Genetics (formerly Invitae), Labcorp
Classification: Uncertain significance. Last evaluated: 2024-01-10. Review status: criteria provided, single submitter. Criteria: Invitae Variant Classification Sherloc (09022015). Collection method: clinical testing. Allele origin: germline.
Comment: This variant results in a copy number gain of the genomic region encompassing exon(s) 1-2 of the COL18A1 gene. This region includes the initiator codon of the gene. This copy number gain extends beyond the assayed region for this gene and therefore may encompass additional genes. As the precise location of this event is unknown, it may be in tandem or it may be located elsewhere in the genome. This variant has not been reported in the literature in individuals affected with COL18A1-related conditions. Experimental studies and prediction algorithms are not available or were not evaluated, and the functional significance of this variant is currently unknown. In summary, the available evidence is currently insufficient to determine the role of this variant in disease. Therefore, it has been classified as a Variant of Uncertain Significance.